The following is an entry in ClinVar:

ClinVar aggregate classification (germline): Conflicting classifications of pathogenicity. Review status: criteria provided, conflicting classifications (1 of 4 stars). 2 submissions from 2 submitters: Likely pathogenic (1); Uncertain significance (1). Last evaluated 2023-05-10.

Conditions:
Hereditary cancer-predisposing syndrome. Also called: Tumor predisposition; Hereditary neoplastic syndrome; Hereditary Cancer Syndrome; Neoplastic Syndromes, Hereditary. Identifiers: Orphanet 140162, MedGen C0027672, MeSH D009386, MONDO:0015356.
Familial adenomatous polyposis 1 (FAP1). Also called: POLYPOSIS, ADENOMATOUS INTESTINAL; FAMILIAL ADENOMATOUS POLYPOSIS 1, ATTENUATED. Identifiers: MedGen C2713442, MONDO:0021056, OMIM 175100. Disease mechanism: loss of function.

Submissions (2):

Labcorp Genetics (formerly Invitae), Labcorp
Classification: Uncertain significance for Familial adenomatous polyposis 1. Last evaluated: 2023-05-10. Review status: criteria provided, single submitter. Criteria: Invitae Variant Classification Sherloc (09022015). Collection method: clinical testing. Allele origin: germline.
Comment: Experimental studies and prediction algorithms are not available or were not evaluated, and the functional significance of this variant is currently unknown. In summary, the available evidence is currently insufficient to determine the role of this variant in disease. Therefore, it has been classified as a Variant of Uncertain Significance. ClinVar contains an entry for this variant (Variation ID: 937671). This variant has not been reported in the literature in individuals affected with APC-related conditions. This variant is not present in population databases (gnomAD no frequency). This sequence change creates a premature translational stop signal (p.Asn2812Thrfs*29) in the APC gene. While this is not anticipated to result in nonsense mediated decay, it is expected to disrupt the last 32 amino acid(s) of the APC protein.

Ambry Genetics
Classification: Likely pathogenic for Hereditary cancer-predisposing syndrome. Last evaluated: 2022-05-06. Review status: criteria provided, single submitter. Criteria: Ambry Variant Classification Scheme 2023. Collection method: clinical testing. Allele origin: germline.
Comment: The c.8435delA variant, located in coding exon 15 of the APC gene, results from a deletion of one nucleotide at nucleotide position 8435, causing a translational frameshift with a predicted alternate stop codon (p.N2812Tfs*29). This alteration occurs near the 3' terminus of theAPC gene, is not expected to trigger nonsense-mediated mRNA decay, and impacts the last 1% of the protein. However, the impacted region is considered as critical for protein function (Ambry internal data). Structural analysis suggests this truncation removes a known motif (Thr2841-Ser2842-Val2843) needed for protein binding involved in the regulation of protein function (Ambry internal data; Slep KC et al, PLoS ONE 2012; 7(11):e50097; Zhang Z et al, PLoS ONE 2011; 6(8):e23507). In addition, this variant disrupts the protein upstream of other pathogenic premature truncating variants. Based on the majority of available evidence to date, this variant is likely to be pathogenic.

NM_000038.6(APC):c.8435del (p.Asn2812fs)

Gene: APC (APC regulator of Wnt signaling pathway; plus strand). Cytogenetic location: 5q22.2.
Variant type: Deletion.
Coding change: c.8435del on transcript NM_000038.6 (MANE Select); coding-DNA position 8435, one base deleted (A; older notation c.8435delA).
Protein change: p.Asn2812fs; shifts the reading frame from asparagine 2812.
Molecular consequence: frameshift variant.
Genome position (GRCh38, 1-based): chr5:112,844,029, A deleted; the last of 2 consecutive A bases (chr5:112,844,028-112,844,029); deleting either gives the same sequence. VCF-style (leftmost placement, unchanged base first): chr5-112844027-CA-C. GRCh37 (hg19) VCF-style: chr5-112179724-CA-C.
Other names: c.8435del, p.Asn2812fs (NM_001127510.3, NM_001354895.2); c.8381del, p.Asn2794fs (NM_001127511.3); c.8489del, p.Asn2830fs (NM_001354896.2); c.8465del, p.Asn2822fs (NM_001354897.2); c.8360del, p.Asn2787fs (NM_001354898.2); c.8351del, p.Asn2784fs (NM_001354899.2); c.8312del, p.Asn2771fs (NM_001354900.2); c.8258del, p.Asn2753fs (NM_001354901.2); and 6 more; short protein forms N2711fs, N2771fs, N2787fs, N2812fs, N2822fs, N2529fs, N2686fs, N2721fs.
Identifiers: ClinVar variation 937671 (VCV000937671.11), dbSNP rs1766745307, ClinGen allele CA1139659007.
Genomic context (GRCh38, chr5:112,844,027, plus strand): 5'-GAAAAGCAGCGCAGATAGCACTTCAGCTCGGCCATCTCAGATCCCAACTCCAGTGAATAA[CA>C]ACACAAAGAAGCGAGATTCCAAAACTGACAGCACAGAATCCAGTGGAACCCAAAGTCCTA-3'